The following is an entry in ClinVar:

NM_000693.4(ALDH1A3):c.1233+8G>A

Genes: ALDH1A3 (aldehyde dehydrogenase 1 family member A3; plus strand), ALDH1A3-AS1 (ALDH1A3 antisense RNA 1; minus strand). Cytogenetic location: 15q26.3.
Variant type: single nucleotide variant.
Coding change: c.1233+8G>A on transcript NM_000693.4 (MANE Select); 8 bases into the intron after coding-DNA position 1233, G replaced by A.
Molecular consequence: intron variant.
Genome position (GRCh38, 1-based): chr15:100,905,695, G>A. VCF-style: chr15-100905695-G-A. GRCh37 (hg19) VCF-style: chr15-101445900-G-A.
Other names: c.912+8G>A (NM_001293815.2).
Identifiers: ClinVar variation 256761 (VCV000256761.11), dbSNP rs3825924, ClinGen allele CA7760308.

ClinVar aggregate classification (germline): Benign. Review status: criteria provided, multiple submitters, no conflicts (2 of 4 stars). 4 submissions from 4 submitters: Benign (4). Last evaluated 2026-02-01.

Conditions:
Isolated microphthalmia 8. Identifiers: Orphanet 2542, MedGen C3554524, MONDO:0014050, OMIM 615113.

Allele frequency attached by ClinVar (database versions not stated): ESP Exome Variant Server 0.14709; gnomAD 0.16407 and 0.17052; TOPMed 0.17105; gnomAD exomes 0.19261 and 0.22223; ExAC 0.20456; 1000 Genomes Project 30x 0.20706; 1000 Genomes Project 0.21346.
gnomAD v4.1: 295,935 of 1,551,604 alleles (19%); highest among the groups gnomAD compares: East Asian, 53%; 31,763 homozygotes.

Submissions (4):

Labcorp Genetics (formerly Invitae), Labcorp
Classification: Benign for Isolated microphthalmia 8. Last evaluated: 2026-02-01. Review status: criteria provided, single submitter. Criteria: Invitae Variant Classification Sherloc (09022015). Collection method: clinical testing. Allele origin: germline.

GeneDx
Classification: Benign. Last evaluated: 2018-06-19. Review status: criteria provided, single submitter. Criteria: GeneDx Variant Classification (06012015). Collection method: clinical testing. Allele origin: germline. Affected: yes.
Comment: This variant is considered likely benign or benign based on one or more of the following criteria: it is a conservative change, it occurs at a poorly conserved position in the protein, it is predicted to be benign by multiple in silico algorithms, and/or has population frequency not consistent with disease.

Breakthrough Genomics
Classification: Benign. Review status: criteria provided, single submitter. Criteria: ACMG Guidelines, 2015. Collection method: not provided. Allele origin: germline. Inheritance: Autosomal recessive inheritance. Affected: yes.

PreventionGenetics, part of Exact Sciences
Classification: Benign. Review status: criteria provided, single submitter. Criteria: ACMG Guidelines, 2015. Collection method: clinical testing. Allele origin: germline.